The following is an entry in ClinVar:

NM_000217.3(KCNA1):c.1186G>C (p.Gly396Arg)

Gene: KCNA1 (potassium voltage-gated channel subfamily A member 1; plus strand). Cytogenetic location: 12p13.32.
Variant type: single nucleotide variant.
Coding change: c.1186G>C on transcript NM_000217.3 (MANE Select); coding-DNA position 1186, G replaced by C.
Protein change: p.Gly396Arg; replaces glycine 396 with arginine.
Molecular consequence: missense variant.
Genome position (GRCh38, 1-based): chr12:4,912,564, G>C. VCF-style: chr12-4912564-G-C. GRCh37 (hg19) VCF-style: chr12-5021730-G-C.
Other names: short protein forms G396R.
Identifiers: ClinVar variation 1098715 (VCV001098715.1), dbSNP rs2137673957, ClinGen allele CA383456232.

ClinVar aggregate classification (germline): Likely pathogenic (1 of 4 stars; one submission).

Conditions:
Generalized epilepsy-paroxysmal dyskinesia syndrome (PNKD3). Also called: Paroxysmal nonkinesigenic dyskinesia, 3, with or without generalized epilepsy; Generalized epilepsy and paroxysmal dyskinesia. Identifiers: Orphanet 79137, MedGen C5574945, MONDO:0012276, OMIM 609446.

Submission:

Experimental Epileptology, AG Lerche, Hertie Institute for Clinical Brain Research
Classification: Likely pathogenic for Generalized epilepsy-paroxysmal dyskinesia syndrome. Last evaluated: 2021-05-19. Review status: criteria provided, single submitter. Criteria: ACMG Guidelines, 2015. Collection method: clinical testing. Allele origin: de novo. Affected: yes.
Comment: ACMG Criteria: PM1, PM2, PM6, PP2, PP3

Literature cited by the submitters: PubMed 34305802.